The following is an entry in ClinVar:

ClinVar aggregate classification (germline): Pathogenic/Likely pathogenic. Review status: criteria provided, multiple submitters, no conflicts (2 of 4 stars). 3 submissions from 3 submitters: Pathogenic (1); Likely pathogenic (1). 1 of the submissions does not count toward it. Last evaluated 2024-10-04.

Conditions:
Agenesis of the corpus callosum with peripheral neuropathy (ACCPN). Also called: CHARLEVOIX DISEASE; POLYNEUROPATHY, SENSORIMOTOR, WITH OR WITHOUT AGENESIS OF THE CORPUS CALLOSUM; HMSN/ACC; Hereditary Motor and Sensory Neuropathy with Agenesis of the Corpus Callosum. Identifiers: Orphanet 1496, MedGen C0795950, MONDO:0000902, OMIM 218000. Disease mechanism: loss of function.

Submissions (3):

Dubai Health Genomic Medicine Center, Dubai Health
Classification: Likely pathogenic for Agenesis of the corpus callosum with peripheral neuropathy. Last evaluated: 2024-10-04. Review status: criteria provided, single submitter. Criteria: ACMG Guidelines, 2015. Collection method: research. Allele origin: germline. Affected: yes.
Comment: PVS1,PM2,PP1

Labcorp Genetics (formerly Invitae), Labcorp
Classification: Pathogenic. Last evaluated: 2022-08-25. Review status: criteria provided, single submitter. Criteria: Invitae Variant Classification Sherloc (09022015). Collection method: clinical testing. Allele origin: germline.
Comment: Disruption of this splice site has been observed in individual(s) with agenesis of the corpus callosum with peripheral neuropathy (PMID: 26392352, 27717089). It has also been observed to segregate with disease in related individuals. For these reasons, this variant has been classified as Pathogenic. Algorithms developed to predict the effect of sequence changes on RNA splicing suggest that this variant may disrupt the consensus splice site. ClinVar contains an entry for this variant (Variation ID: 551233). This variant is not present in population databases (gnomAD no frequency). This sequence change affects a donor splice site in intron 6 of the SLC12A6 gene. It is expected to disrupt RNA splicing. Variants that disrupt the donor or acceptor splice site typically lead to a loss of protein function (PMID: 16199547), and loss-of-function variants in SLC12A6 are known to be pathogenic (PMID: 12368912, 16606917).

Counsyl
Classification: Likely pathogenic for Agenesis of the corpus callosum with peripheral neuropathy. Last evaluated: 2017-04-03. Review status: no assertion criteria provided. Collection method: clinical testing. Allele origin: unknown. Not counted in ClinVar's aggregate classification.

Literature cited by the submitters: PubMed 26392352 (cited by Labcorp Genetics (formerly Invitae), Labcorp and Counsyl); PubMed 27717089 (cited by Labcorp Genetics (formerly Invitae), Labcorp); PubMed 16199547 (cited by Labcorp Genetics (formerly Invitae), Labcorp); PubMed 12368912 (cited by Labcorp Genetics (formerly Invitae), Labcorp); PubMed 16606917 (cited by Labcorp Genetics (formerly Invitae), Labcorp).

NM_001365088.1(SLC12A6):c.745+2T>A

Gene: SLC12A6 (solute carrier family 12 member 6; minus strand). Cytogenetic location: 15q14.
Variant type: single nucleotide variant.
Coding change: c.745+2T>A on transcript NM_001365088.1 (MANE Select); the canonical splice donor site of the intron after coding-DNA position 745, T replaced by A.
Molecular consequence: splice donor variant.
Genome position (GRCh38, 1-based): chr15:34,256,227, A>T on the plus strand (T>A on the coding strand, the complement: SLC12A6 is on the minus strand). VCF-style: chr15-34256227-A-T. GRCh37 (hg19) VCF-style: chr15-34548428-A-T.
Other names: c.568+2T>A (NM_001042495.2, NM_001042494.2); c.718+2T>A (NM_001042496.2); c.700+2T>A (NM_001042497.2); c.745+2T>A (NM_133647.2); c.592+2T>A (NM_005135.2).
Identifiers: ClinVar variation 551233 (VCV000551233.8), dbSNP rs1555380998, ClinGen allele CA391611234.